The following is an entry in ClinVar:

ClinVar aggregate classification (germline): Uncertain significance (1 of 4 stars; one submission).

Submission:

Labcorp Genetics (formerly Invitae), Labcorp
Classification: Uncertain significance. Last evaluated: 2020-11-27. Review status: criteria provided, single submitter. Criteria: Invitae Variant Classification Sherloc (09022015). Collection method: clinical testing. Allele origin: germline.
Comment: This sequence change falls in intron 21 of the ERBIN gene. It does not directly change the encoded amino acid sequence of the ERBIN protein. It affects a nucleotide within the consensus splice site of the intron. The frequency data for this variant in the population databases is considered unreliable, as metrics indicate insufficient coverage at this position in the ExAC database. This variant has not been reported in the literature in individuals with ERBIN-related conditions. Nucleotide substitutions within the consensus splice site are a relatively common cause of aberrant splicing (PMID: 17576681, 9536098). Algorithms developed to predict the effect of sequence changes on RNA splicing suggest that this variant is not likely to affect RNA splicing, but this prediction has not been confirmed by published transcriptional studies. In summary, the available evidence is currently insufficient to determine the role of this variant in disease. Therefore, it has been classified as a Variant of Uncertain Significance.

Literature cited by the submitters: PubMed 17576681; PubMed 9536098.

NM_001253697.2(ERBIN):c.3634-3T>C

Gene: ERBIN (erbb2 interacting protein; plus strand). Cytogenetic location: 5q12.3.
Variant type: single nucleotide variant.
Coding change: c.3634-3T>C on transcript NM_001253697.2 (MANE Select); 3 bases into the intron before coding-DNA position 3634, T replaced by C.
Molecular consequence: intron variant.
Genome position (GRCh38, 1-based): chr5:66,072,166, T>C. VCF-style: chr5-66072166-T-C. GRCh37 (hg19) VCF-style: chr5-65367994-T-C.
Other names: c.3778-2858T>C (NM_001253699.2); c.3634-2858T>C (NM_018695.4, NM_001253698.2); c.3634-4150T>C (NM_001006600.3); c.3622-2858T>C (NM_001253701.2).
Identifiers: ClinVar variation 1366486 (VCV001366486.6), dbSNP rs2151299355, ClinGen allele CA2573139733.
Genomic context (GRCh38, chr5:66,072,166, plus strand): 5'-CATCCTCTTGGTTTCACATCTTAAAGAACATTATTTGTTTACTTTTTATTTCCTGCTCAT[T>C]AGAAGCATCCCCAGACATCCAGTTCAGGAGATCCTTGTCAAGATGGTATATTCATTTCAG-3'